The following is an entry in ClinVar:

ClinVar aggregate classification (germline): Uncertain significance (1 of 4 stars; one submission).

Conditions:
Idiopathic Pulmonary Fibrosis. Also called: Idiopathic fibrosing alveolitis, chronic form; idiopathic fibrosing alveolitis. Identifiers: Orphanet 2032, MedGen C1800706, MeSH D054990, MONDO:0800504.
Dyskeratosis congenita, autosomal dominant 2. Identifiers: MedGen C3151443, MONDO:0013521, OMIM 613989.

Submission:

Labcorp Genetics (formerly Invitae), Labcorp
Classification: Uncertain significance for Dyskeratosis congenita, autosomal dominant 2; Idiopathic Pulmonary Fibrosis. Last evaluated: 2025-07-31. Review status: criteria provided, single submitter. Criteria: Invitae Variant Classification Sherloc (09022015). Collection method: clinical testing. Allele origin: germline.
Comment: This sequence change replaces asparagine, which is neutral and polar, with serine, which is neutral and polar, at codon 399 of the TERT protein (p.Asn399Ser). This variant is not present in population databases (gnomAD no frequency). This variant has not been reported in the literature in individuals affected with TERT-related conditions. ClinVar contains an entry for this variant (Variation ID: 566347). Invitae Evidence Modeling of protein sequence and biophysical properties (such as structural, functional, and spatial information, amino acid conservation, physicochemical variation, residue mobility, and thermodynamic stability) has been performed for this missense variant. However, the output from this modeling did not meet the statistical confidence thresholds required to predict the impact of this variant on TERT protein function. In summary, the available evidence is currently insufficient to determine the role of this variant in disease. Therefore, it has been classified as a Variant of Uncertain Significance.

NM_198253.3(TERT):c.1196A>G (p.Asn399Ser)

Gene: TERT (telomerase reverse transcriptase; minus strand). Cytogenetic location: 5p15.33.
Variant type: single nucleotide variant.
Coding change: c.1196A>G on transcript NM_198253.3 (MANE Select); coding-DNA position 1196, A replaced by G.
Protein change: p.Asn399Ser; replaces asparagine 399 with serine.
Molecular consequence: missense variant. On other transcripts: non-coding transcript variant (2).
Genome position (GRCh38, 1-based): chr5:1,293,690, T>C on the plus strand (A>G on the coding strand, the complement: TERT is on the minus strand). VCF-style: chr5-1293690-T-C. GRCh37 (hg19) VCF-style: chr5-1293805-T-C.
Other names: c.1196A>G, p.Asn399Ser (NM_001193376.3); short protein forms N399S.
Identifiers: ClinVar variation 566347 (VCV000566347.9), dbSNP rs1561213697, ClinGen allele CA359086580.
Genomic context (GRCh38, chr5:1,293,690, plus strand): 5'-ACCGCAGCTCGCAGCGGGCAGTGCGTCTTGAGGAGCACCCCGTAGGGGCACTGCGCGTGG[T>C]TCCCAAGCAGCTCCAGAAACAGGGGCCGCATTTGCCAGTAGCGCTGGGGCAGGCGGGGCA-3'
Protein context (NP_937983.2, residues 389-409): MRPLFLELLG[Asn399Ser]HAQCPYGVLL